The following is an entry in ClinVar:

NM_001330078.2(NRXN1):c.2234G>A (p.Arg745Gln)

Gene: NRXN1 (neurexin 1; minus strand). Cytogenetic location: 2p16.3.
Variant type: single nucleotide variant.
Coding change: c.2234G>A on transcript NM_001330078.2 (MANE Select); coding-DNA position 2234, G replaced by A.
Protein change: p.Arg745Gln; replaces arginine 745 with glutamine.
Molecular consequence: missense variant.
Genome position (GRCh38, 1-based): chr2:50,531,340, C>T on the plus strand (G>A on the coding strand, the complement: NRXN1 is on the minus strand). VCF-style: chr2-50531340-C-T. GRCh37 (hg19) VCF-style: chr2-50758478-C-T.
Other names: c.2354G>A, p.Arg785Gln (NM_001135659.3); c.2210G>A, p.Arg737Gln (NM_001330077.2, NM_001330082.2, NM_001330095.2); c.2195G>A, p.Arg732Gln (NM_001330083.2, NM_001330084.2); c.2234G>A, p.Arg745Gln (NM_001330085.2, NM_001330086.2, NM_004801.6); c.2150G>A, p.Arg717Gln (NM_001330087.2, NM_001330096.2); c.2180G>A, p.Arg727Gln (NM_001330088.2); c.2231G>A, p.Arg744Gln (NM_001330093.2); c.2222G>A, p.Arg741Gln (NM_001330094.2); short protein forms R717Q, R727Q, R732Q, R737Q, R741Q, R744Q, R745Q, R785Q.
Identifiers: ClinVar variation 1315665 (VCV001315665.6), dbSNP rs199871805, ClinGen allele CA47312954.

ClinVar aggregate classification (germline): Uncertain significance. Review status: criteria provided, multiple submitters, no conflicts (2 of 4 stars). 3 submissions from 3 submitters: Uncertain significance (3). Last evaluated 2024-01-22.

Conditions:
Pitt-Hopkins-like syndrome 2 (PTHSL2). Identifiers: Orphanet 221150, Orphanet 600663, MedGen C3280479, MONDO:0013690, OMIM 614325.

Allele frequency attached by ClinVar (database versions not stated): gnomAD exomes below 0.00001.
gnomAD v4.1: 5 of 1,613,310 alleles (0.00031%); highest among the groups gnomAD compares: East Asian, 0.0022%; no homozygotes.

Submissions (3):

Labcorp Genetics (formerly Invitae), Labcorp
Classification: Uncertain significance for Pitt-Hopkins-like syndrome 2. Last evaluated: 2024-01-22. Review status: criteria provided, single submitter. Criteria: Invitae Variant Classification Sherloc (09022015). Collection method: clinical testing. Allele origin: germline.
Comment: This sequence change replaces arginine, which is basic and polar, with glutamine, which is neutral and polar, at codon 785 of the NRXN1 protein (p.Arg785Gln). This variant is present in population databases (rs199871805, gnomAD 0.0009%). This missense change has been observed in individual(s) with neurodevelopmental disorder (PMID: 30564305, 33004838). ClinVar contains an entry for this variant (Variation ID: 1315665). An algorithm developed to predict the effect of missense changes on protein structure and function (PolyPhen-2) suggests that this variant is likely to be disruptive. In summary, the available evidence is currently insufficient to determine the role of this variant in disease. Therefore, it has been classified as a Variant of Uncertain Significance.

Neuberg Centre For Genomic Medicine, NCGM
Classification: Uncertain significance for Pitt-Hopkins-like syndrome 2. Last evaluated: 2023-06-22. Review status: criteria provided, single submitter. Criteria: ACMG Guidelines, 2015. Collection method: clinical testing. Allele origin: germline. Inheritance: Autosomal recessive inheritance. Affected: yes.
Comment: The observed missense variant c.2234G>A(p.Arg745Gln) in NRXN1 gene has not been reported previously as a pathogenic variantnor as a benign variant, to our knowledge. The c.2234G>A(p.Arg745Gln) variant is reported with 0.004% allele frequency in gnomADExomes. It has been submitted to ClinVar as Uncertain Significance. The amino acid Arg at position 745 is changed to a Glnchanging protein sequence and it might alter its composition and physico-chemical properties. The reference amino acidp.Arg745Gln in NRXN1 is predicted as conserved by GERP++ and PhyloP across 100 vertebrates. For these reasons, this variant has been classified as Uncertain Significance. This homozygous variant is in a position which overlaps with a heterozygous CNV onchromosome 2[chr2:(?_50755751-50850763_?)del].

GeneDx
Classification: Uncertain significance. Last evaluated: 2020-12-17. Review status: criteria provided, single submitter. Criteria: GeneDx Variant Classification Process June 2021. Collection method: clinical testing. Allele origin: germline. Affected: yes.
Comment: Not observed at a significant frequency in large population cohorts (Lek et al., 2016); In silico analysis supports that this missense variant has a deleterious effect on protein structure/function; Has not been previously published as pathogenic or benign to our knowledge; This variant is associated with the following publications: (PMID: 30564305)

Literature cited by the submitters: PubMed 30564305 (cited by Labcorp Genetics (formerly Invitae), Labcorp); PubMed 33004838 (cited by Labcorp Genetics (formerly Invitae), Labcorp).